The following is an entry in ClinVar:

NM_000787.4(DBH):c.*89A>G

Gene: DBH (dopamine beta-hydroxylase; plus strand). Cytogenetic location: 9q34.2.
Variant type: single nucleotide variant.
Coding change: c.*89A>G on transcript NM_000787.4 (MANE Select); 89 bases downstream of the stop codon, A replaced by G.
Molecular consequence: 3 prime UTR variant.
Genome position (GRCh38, 1-based): chr9:133,658,536, A>G. VCF-style: chr9-133658536-A-G. GRCh37 (hg19) VCF-style: chr9-136523658-A-G.
Identifiers: ClinVar variation 913876 (VCV000913876.5), dbSNP rs45602440, ClinGen allele CA200982533.

ClinVar aggregate classification (germline): Likely benign. Review status: criteria provided, multiple submitters, no conflicts (2 of 4 stars). 2 submissions from 2 submitters: Likely benign (2). Last evaluated 2018-01-12.

Conditions:
Orthostatic hypotension 1 (ORTHYP1). Also called: NORADRENALINE DEFICIENCY; NOREPINEPHRINE DEFICIENCY; Orthostatic hypotension 1, due to DBH deficiency; Dopamine beta-hydroxylase deficiency. Identifiers: Orphanet 230, MedGen C4746777, MONDO:0009123, OMIM 223360.

Allele frequency attached by ClinVar (database versions not stated): 1000 Genomes Project 30x 0.00312; gnomAD 0.00316 and 0.00344; 1000 Genomes Project 0.00319; TOPMed 0.00371.

Submissions (2):

Illumina Laboratory Services, Illumina
Classification: Likely benign for Orthostatic hypotension 1. Last evaluated: 2018-01-12. Review status: criteria provided, single submitter. Criteria: ICSL Variant Classification Criteria 13 December 2019. Collection method: clinical testing. Allele origin: germline.
Comment: This variant was observed in the ICSL laboratory as part of a predisposition screen in an ostensibly healthy population. It had not been previously curated by ICSL or reported in the Human Gene Mutation Database (HGMD: prior to June 1st, 2018), and was therefore a candidate for classification through an automated scoring system. Utilizing variant allele frequency, disease prevalence and penetrance estimates, and inheritance mode, an automated score was calculated to assess if this variant is too frequent to cause the disease. Based on the score and internal cut-off values, a variant classified as likely benign is not then subjected to further curation. The score for this variant resulted in a classification of likely benign for this disease.

Breakthrough Genomics
Classification: Likely benign. Review status: criteria provided, single submitter. Criteria: ACMG Guidelines, 2015. Collection method: not provided. Allele origin: germline. Inheritance: Autosomal recessive inheritance. Affected: yes.